The following is an entry in ClinVar:

ClinVar aggregate classification (germline): Uncertain significance. Review status: criteria provided, multiple submitters, no conflicts (2 of 4 stars). 2 submissions from 2 submitters: Uncertain significance (2). Last evaluated 2025-08-27.

Conditions:
Inborn genetic diseases. Identifiers: MedGen C0950123, MeSH D030342.

Allele frequency attached by ClinVar (database versions not stated): gnomAD 0.00001; TOPMed 0.00003; ExAC 0.00015.
gnomAD v4.1: 24 of 1,600,422 alleles (0.0015%); highest among the groups gnomAD compares: Admixed American, 0.037%; no homozygotes.

Submissions (2):

Ambry Genetics
Classification: Uncertain significance for Inborn genetic diseases. Last evaluated: 2025-08-27. Review status: criteria provided, single submitter. Criteria: Ambry Variant Classification Scheme 2023. Collection method: clinical testing. Allele origin: germline.

Labcorp Genetics (formerly Invitae), Labcorp
Classification: Uncertain significance. Last evaluated: 2022-08-07. Review status: criteria provided, single submitter. Criteria: Invitae Variant Classification Sherloc (09022015). Collection method: clinical testing. Allele origin: germline.
Comment: This sequence change replaces alanine, which is neutral and non-polar, with valine, which is neutral and non-polar, at codon 12 of the PPA2 protein (p.Ala12Val). This variant is present in population databases (rs753142837, gnomAD 0.06%). This variant has not been reported in the literature in individuals affected with PPA2-related conditions. Algorithms developed to predict the effect of missense changes on protein structure and function (SIFT, PolyPhen-2, Align-GVGD) all suggest that this variant is likely to be tolerated. In summary, the available evidence is currently insufficient to determine the role of this variant in disease. Therefore, it has been classified as a Variant of Uncertain Significance.

NM_176869.3(PPA2):c.35C>T (p.Ala12Val)

Gene: PPA2 (inorganic pyrophosphatase 2; minus strand). Cytogenetic location: 4q24.
Variant type: single nucleotide variant.
Coding change: c.35C>T on transcript NM_176869.3 (MANE Select); coding-DNA position 35, C replaced by T.
Protein change: p.Ala12Val; replaces alanine 12 with valine.
Molecular consequence: missense variant.
Genome position (GRCh38, 1-based): chr4:105,474,016, G>A on the plus strand (C>T on the coding strand, the complement: PPA2 is on the minus strand). VCF-style: chr4-105474016-G-A. GRCh37 (hg19) VCF-style: chr4-106395173-G-A.
Other names: c.35C>T, p.Ala12Val (NM_006903.4, NM_176866.2, NM_176867.3); short protein forms A12V.
Identifiers: ClinVar variation 1967940 (VCV001967940.4), dbSNP rs753142837, ClinGen allele CA3032869.